The following is an entry in ClinVar:

NM_001184.4(ATR):c.1007G>A (p.Arg336Gln)

Gene: ATR (ATR checkpoint kinase; minus strand). Cytogenetic location: 3q23.
Variant type: single nucleotide variant.
Coding change: c.1007G>A on transcript NM_001184.4 (MANE Select); coding-DNA position 1007, G replaced by A.
Protein change: p.Arg336Gln; replaces arginine 336 with glutamine.
Molecular consequence: missense variant.
Genome position (GRCh38, 1-based): chr3:142,562,395, C>T on the plus strand (G>A on the coding strand, the complement: ATR is on the minus strand). VCF-style: chr3-142562395-C-T. GRCh37 (hg19) VCF-style: chr3-142281237-C-T.
Other names: c.1007G>A (NM_001184.3); c.1007G>A, p.Arg336Gln (NM_001354579.2); short protein forms R336Q.
Identifiers: ClinVar variation 1491852 (VCV001491852.10), dbSNP rs754554657, ClinGen allele CA2650692.

ClinVar aggregate classification (germline): Conflicting classifications of pathogenicity. Review status: criteria provided, conflicting classifications (1 of 4 stars). 3 submissions from 3 submitters: Uncertain significance (2); Likely benign (1). Last evaluated 2025-03-10.

Allele frequency attached by ClinVar (database versions not stated): ExAC 0.00001; gnomAD 0.00001; gnomAD exomes 0.00001.
gnomAD v4.1: 16 of 1,613,930 alleles (0.00099%); highest among the groups gnomAD compares: Middle Eastern, 0.099%; no homozygotes.

Submissions (3):

GeneDx
Classification: Uncertain significance. Last evaluated: 2025-03-10. Review status: criteria provided, single submitter. Criteria: GeneDx Variant Classification Process June 2021. Collection method: clinical testing. Allele origin: germline. Affected: yes.
Comment: Not observed at significant frequency in large population cohorts (gnomAD); In silico analysis indicates that this missense variant does not alter protein structure/function; Has not been previously published as pathogenic or benign to our knowledge

Labcorp Genetics (formerly Invitae), Labcorp
Classification: Uncertain significance. Last evaluated: 2022-08-16. Review status: criteria provided, single submitter. Criteria: Invitae Variant Classification Sherloc (09022015). Collection method: clinical testing. Allele origin: germline.
Comment: This sequence change replaces arginine, which is basic and polar, with glutamine, which is neutral and polar, at codon 336 of the ATR protein (p.Arg336Gln). This variant is present in population databases (rs754554657, gnomAD 0.004%). This variant has not been reported in the literature in individuals affected with ATR-related conditions. ClinVar contains an entry for this variant (Variation ID: 1491852). Algorithms developed to predict the effect of missense changes on protein structure and function output the following: SIFT: "Tolerated"; PolyPhen-2: "Benign"; Align-GVGD: "Class C0". The glutamine amino acid residue is found in multiple mammalian species, which suggests that this missense change does not adversely affect protein function. Algorithms developed to predict the effect of sequence changes on RNA splicing suggest that this variant may create or strengthen a splice site. In summary, the available evidence is currently insufficient to determine the role of this variant in disease. Therefore, it has been classified as a Variant of Uncertain Significance.

Blueprint Genetics
Classification: Likely benign. Last evaluated: 2021-11-16. Review status: criteria provided, single submitter. Criteria: ACMG Guidelines, 2015. Collection method: clinical testing. Allele origin: germline.